The following is an entry in ClinVar:

ClinVar aggregate classification (germline): Uncertain significance (1 of 4 stars; one submission).

Conditions:
Inborn genetic diseases. Identifiers: MedGen C0950123, MeSH D030342.

Submission:

Ambry Genetics
Classification: Uncertain significance for Inborn genetic diseases. Last evaluated: 2024-07-09. Review status: criteria provided, single submitter. Criteria: Ambry Variant Classification Scheme 2023. Collection method: clinical testing. Allele origin: germline.
Comment: The p.N184D variant (also known as c.550A>G), located in coding exon 5 of the EPAS1 gene, results from an A to G substitution at nucleotide position 550. The asparagine at codon 184 is replaced by aspartic acid, an amino acid with highly similar properties. This amino acid position is conserved. In addition, this alteration is predicted to be tolerated by in silico analysis. Based on the available evidence, the clinical significance of this variant remains unclear.

NM_001430.5(EPAS1):c.550A>G (p.Asn184Asp)

Genes: EPAS1 (endothelial PAS domain protein 1; plus strand), LOC126806210 (BRD4-independent group 4 enhancer GRCh37_chr2:46587586-46588785; plus strand). Cytogenetic location: 2p21.
Variant type: single nucleotide variant.
Coding change: c.550A>G on transcript NM_001430.5 (MANE Select); coding-DNA position 550, A replaced by G.
Protein change: p.Asn184Asp; replaces asparagine 184 with aspartic acid.
Molecular consequence: missense variant.
Genome position (GRCh38, 1-based): chr2:46,360,733, A>G. VCF-style: chr2-46360733-A-G. GRCh37 (hg19) VCF-style: chr2-46587872-A-G.
Other names: short protein forms N184D.
Identifiers: ClinVar variation 3508943 (VCV003508943.1).